The following is an entry in ClinVar:

NM_001041.4(SI):c.4192C>T (p.Pro1398Ser)

Gene: SI (sucrase-isomaltase; minus strand). Cytogenetic location: 3q26.1.
Variant type: single nucleotide variant.
Coding change: c.4192C>T on transcript NM_001041.4 (MANE Select); coding-DNA position 4192, C replaced by T.
Protein change: p.Pro1398Ser; replaces proline 1398 with serine.
Molecular consequence: missense variant.
Genome position (GRCh38, 1-based): chr3:165,007,986, G>A on the plus strand (C>T on the coding strand, the complement: SI is on the minus strand). VCF-style: chr3-165007986-G-A. GRCh37 (hg19) VCF-style: chr3-164725774-G-A.
Other names: short protein forms P1398S.
Identifiers: ClinVar variation 3671054 (VCV003671054.2).
Genomic context (GRCh38, chr3:165,007,986, plus strand): 5'-GATAATTTAGTTCGTCATTTCTGCATTGATTAGTAGTTGTTCCATTTACAAAACTTGATG[G>A]CTCATTCATATCCTTAAAAAAAGATGAAAGAAAAAGGTAAACAAAAGATAAATTTACAAC-3'
Protein context (NP_001032.2, residues 1388-1408): FDGLWIDMNE[Pro1398Ser]SSFVNGTTTN

ClinVar aggregate classification (germline): Uncertain significance (1 of 4 stars; one submission).

Submission:

Labcorp Genetics (formerly Invitae), Labcorp
Classification: Uncertain significance. Last evaluated: 2024-06-19. Review status: criteria provided, single submitter. Criteria: Invitae Variant Classification Sherloc (09022015). Collection method: clinical testing. Allele origin: germline.
Comment: This sequence change replaces proline, which is neutral and non-polar, with serine, which is neutral and polar, at codon 1398 of the SI protein (p.Pro1398Ser). This variant is not present in population databases (gnomAD no frequency). This variant has not been reported in the literature in individuals affected with SI-related conditions. Advanced modeling of protein sequence and biophysical properties (such as structural, functional, and spatial information, amino acid conservation, physicochemical variation, residue mobility, and thermodynamic stability) has been performed at Invitae for this missense variant, however the output from this modeling did not meet the statistical confidence thresholds required to predict the impact of this variant on SI protein function. In summary, the available evidence is currently insufficient to determine the role of this variant in disease. Therefore, it has been classified as a Variant of Uncertain Significance.